The following is an entry in ClinVar:

NM_001369268.1(ACAN):c.203C>A (p.Pro68Gln)

Gene: ACAN (aggrecan; plus strand). Cytogenetic location: 15q26.1.
Variant type: single nucleotide variant.
Coding change: c.203C>A on transcript NM_001369268.1 (MANE Select); coding-DNA position 203, C replaced by A.
Protein change: p.Pro68Gln; replaces proline 68 with glutamine.
Molecular consequence: missense variant.
Genome position (GRCh38, 1-based): chr15:88,838,795, C>A. VCF-style: chr15-88838795-C-A. GRCh37 (hg19) VCF-style: chr15-89382026-C-A.
Other names: c.203C>A, p.Pro68Gln (NM_001135.4, NM_001411096.1, NM_001411097.1 and 1 more transcripts); short protein forms P68Q.
Identifiers: ClinVar variation 1916336 (VCV001916336.5), dbSNP rs773473572, ClinGen allele CA7719169.
Genomic context (GRCh38, chr15:88,838,795, plus strand): 5'-CCATCCCCTGCTATTTCATCGACCCCATGCACCCTGTGACCACCGCCCCTTCTACCGCCC[C>A]ACTGGCCCCAAGAATCAAGTGGAGCCGTGTGTCCAAGGAGAAGGAGGTAGTGCTGCTGGT-3'
Protein context (NP_001356197.1, residues 58-78): HPVTTAPSTA[Pro68Gln]LAPRIKWSRV

ClinVar aggregate classification (germline): Uncertain significance (1 of 4 stars; one submission).

Allele frequency attached by ClinVar (database versions not stated): ExAC 0.00001; gnomAD 0.00001; gnomAD exomes 0.00001.
gnomAD v4.1: 18 of 1,613,930 alleles (0.0011%); highest among the groups gnomAD compares: South Asian, 0.0022%; no homozygotes.

Submission:

Labcorp Genetics (formerly Invitae), Labcorp
Classification: Uncertain significance. Last evaluated: 2023-09-08. Review status: criteria provided, single submitter. Criteria: Invitae Variant Classification Sherloc (09022015). Collection method: clinical testing. Allele origin: germline.
Comment: This variant has not been reported in the literature in individuals affected with ACAN-related conditions. This variant is present in population databases (rs773473572, gnomAD 0.006%). This sequence change replaces proline, which is neutral and non-polar, with glutamine, which is neutral and polar, at codon 68 of the ACAN protein (p.Pro68Gln). ClinVar contains an entry for this variant (Variation ID: 1916336). In summary, the available evidence is currently insufficient to determine the role of this variant in disease. Therefore, it has been classified as a Variant of Uncertain Significance. Advanced modeling of protein sequence and biophysical properties (such as structural, functional, and spatial information, amino acid conservation, physicochemical variation, residue mobility, and thermodynamic stability) performed at Invitae indicates that this missense variant is not expected to disrupt ACAN protein function.